The following is an entry in ClinVar:

NM_030630.3(HID1):c.217-5C>G

Gene: HID1 (HID1 domain containing; minus strand). Cytogenetic location: 17q25.1.
Variant type: single nucleotide variant.
Coding change: c.217-5C>G on transcript NM_030630.3 (MANE Select); 5 bases into the intron before coding-DNA position 217, C replaced by G.
Molecular consequence: intron variant.
Genome position (GRCh38, 1-based): chr17:74,963,915, G>C on the plus strand (C>G on the coding strand, the complement: HID1 is on the minus strand). VCF-style: chr17-74963915-G-C. GRCh37 (hg19) VCF-style: chr17-72960010-G-C.
Identifiers: ClinVar variation 5005811 (VCV005005811.2).
Genomic context (GRCh38, chr17:74,963,915, plus strand): 5'-TTCTCCTTCTCCGAGTGGCAGCCACTCTCAGCTCCCTGCACCAGCTTCTCAACGGCCTGT[G>C]GGGGCAGGCAGGAGCAGAGGGCAGGCTGGAAGGTGGGGAAAGGACCCTGGCACTTGGGGT-3'

ClinVar aggregate classification (germline): Uncertain significance (1 of 4 stars; one submission).

Conditions:
Developmental and epileptic encephalopathy 105 with hypopituitarism (DEE105). Identifiers: MedGen C5774190, MONDO:0031028, OMIM 619983.

Submission:

Juno Genomics, Hangzhou Juno Genomics, Inc
Classification: Uncertain significance for Developmental and epileptic encephalopathy 105 with hypopituitarism. Review status: criteria provided, single submitter. Criteria: ACMG Guidelines, 2015. Collection method: clinical testing. Allele origin: germline.
Comment: Absent from controls (or at extremely low frequency if recessive) in Genome Aggregation Database.;Multiple lines of computational evidence support a deleterious effect on the gene or gene product.